The following is an entry in ClinVar:

NM_005257.6(GATA6):c.151G>T (p.Glu51Ter)

Gene: GATA6 (GATA binding protein 6; plus strand). Cytogenetic location: 18q11.2.
Variant type: single nucleotide variant.
Coding change: c.151G>T on transcript NM_005257.6 (MANE Select); coding-DNA position 151, G replaced by T.
Protein change: p.Glu51Ter; replaces glutamic acid 51 with a stop codon.
Molecular consequence: nonsense.
Genome position (GRCh38, 1-based): chr18:22,171,295, G>T. VCF-style: chr18-22171295-G-T. GRCh37 (hg19) VCF-style: chr18-19751256-G-T.
Other names: c.151G>T (NM_005257.5); short protein forms E51*.
Identifiers: ClinVar variation 2195608 (VCV002195608.6), dbSNP rs770662152, ClinGen allele CA297147221.
Genomic context (GRCh38, chr18:22,171,295, plus strand): 5'-GAGCCCTCCACGCCGCCTTCCCCCATCTCTTCCTCGTCCTCCTCCTGCTCCCGGGGCGGA[G>T]AGCGGGGCCCCGGCGGCGCCAGCAACTGCGGGACGCCTCAGCTCGACACGGAGGCGGCGG-3'

ClinVar aggregate classification (germline): Conflicting classifications of pathogenicity. Review status: criteria provided, conflicting classifications (1 of 4 stars). 2 submissions from 2 submitters: Pathogenic (1); Uncertain significance (1). Last evaluated 2025-02-09.

Conditions:
Atrioventricular septal defect 5 (AVSD5). Identifiers: MedGen C3280939, MONDO:0013769, OMIM 614474.
GATA6-related disorder. Also called: GATA6-related condition.

gnomAD v4.1: 10 of 1,593,216 alleles (0.00063%); highest among the groups gnomAD compares: Non-Finnish European, 0.00085%; no homozygotes.

Submissions (2):

PreventionGenetics, part of Exact Sciences
Classification: Uncertain significance for GATA6-related condition. Last evaluated: 2025-02-09. Review status: criteria provided, single submitter. Criteria: ACMG Guidelines, 2015. Collection method: clinical testing. Allele origin: germline.
Comment: The GATA6 c.151G>T variant is predicted to result in premature protein termination (p.Glu51*). To our knowledge, this variant has not been reported in the literature or in a large population database (gnomAD), indicating this variant is rare. Nonsense variants in GATA6 are expected to be pathogenic, although none have been reported upstream of this position. Although we suspect that this variant may be pathogenic, at this time, the clinical significance of this variant is uncertain due to the absence of conclusive functional and genetic evidence.

Labcorp Genetics (formerly Invitae), Labcorp
Classification: Pathogenic for Atrioventricular septal defect 5. Last evaluated: 2022-07-13. Review status: criteria provided, single submitter. Criteria: Invitae Variant Classification Sherloc (09022015). Collection method: clinical testing. Allele origin: germline.
Comment: This variant has not been reported in the literature in individuals affected with GATA6-related conditions. This sequence change creates a premature translational stop signal (p.Glu51*) in the GATA6 gene. It is expected to result in an absent or disrupted protein product. Loss-of-function variants in GATA6 are known to be pathogenic (PMID: 22158542, 24310933). This variant is not present in population databases (gnomAD no frequency). For these reasons, this variant has been classified as Pathogenic.

Literature cited by the submitters: PubMed 22158542 (cited by Labcorp Genetics (formerly Invitae), Labcorp); PubMed 24310933 (cited by Labcorp Genetics (formerly Invitae), Labcorp).